The following is an entry in ClinVar:

NM_005751.5(AKAP9):c.3265C>T (p.Pro1089Ser)

Gene: AKAP9 (A-kinase anchoring protein 9; plus strand). Cytogenetic location: 7q21.2.
Variant type: single nucleotide variant.
Coding change: c.3265C>T on transcript NM_005751.5 (MANE Select); coding-DNA position 3265, C replaced by T.
Protein change: p.Pro1089Ser; replaces proline 1089 with serine.
Molecular consequence: missense variant.
Genome position (GRCh38, 1-based): chr7:92,003,182, C>T. VCF-style: chr7-92003182-C-T. GRCh37 (hg19) VCF-style: chr7-91632496-C-T.
Other names: c.3265C>T, p.Pro1089Ser (NM_147185.3); short protein forms P1089S.
Identifiers: ClinVar variation 1037839 (VCV001037839.8), dbSNP rs1799379984, ClinGen allele CA368126683.
Genomic context (GRCh38, chr7:92,003,182, plus strand): 5'-CAGTTGATTTTGGATCACTTACCATCTGTAACAAAGGAATCATCACTTAGAGCAACTCAA[C>T]CAAGTGAAAATGATAAACTTCAGAAAGAACTCAATGTACTTAAATCAGAACAGGTATGTT-3'
Protein context (NP_005742.4, residues 1079-1099): TKESSLRATQ[Pro1089Ser]SENDKLQKEL

ClinVar aggregate classification (germline): Uncertain significance (1 of 4 stars; one submission).

Conditions:
Long QT syndrome (LQTS). Identifiers: MedGen C0023976, MeSH D008133, MONDO:0002442. Disease mechanism: loss of function. Inheritance: Various modes of inheritance.

Submission:

Labcorp Genetics (formerly Invitae), Labcorp
Classification: Uncertain significance for Long QT syndrome. Last evaluated: 2020-12-23. Review status: criteria provided, single submitter. Criteria: Invitae Variant Classification Sherloc (09022015). Collection method: clinical testing. Allele origin: germline.
Comment: In summary, the available evidence is currently insufficient to determine the role of this variant in disease. Therefore, it has been classified as a Variant of Uncertain Significance. This sequence change replaces proline with serine at codon 1089 of the AKAP9 protein (p.Pro1089Ser). The proline residue is moderately conserved and there is a moderate physicochemical difference between proline and serine. This variant is not present in population databases (ExAC no frequency). This variant has not been reported in the literature in individuals with AKAP9-related conditions. Algorithms developed to predict the effect of missense changes on protein structure and function output the following: SIFT: "Tolerated"; PolyPhen-2: "Benign"; Align-GVGD: "Class C0". The serine amino acid residue is found in multiple mammalian species, suggesting that this missense change does not adversely affect protein function. These predictions have not been confirmed by published functional studies and their clinical significance is uncertain.